The following is an entry in ClinVar:

ClinVar aggregate classification (germline): Uncertain significance (1 of 4 stars; one submission).

Conditions:
Dilated cardiomyopathy 1D. Identifiers: Orphanet 154, Orphanet 54260, MedGen C1832243, MONDO:0011095, OMIM 601494.
Cardiomyopathy, familial restrictive, 3. Identifiers: Orphanet 75249, MedGen C2676271, MONDO:0012900, OMIM 612422.
Hypertrophic cardiomyopathy 2. Also called: TNNT2-Related Familial Hypertrophic Cardiomyopathy. Identifiers: MedGen C1861864, MONDO:0007266, OMIM 115195.

Submission:

Labcorp Genetics (formerly Invitae), Labcorp
Classification: Uncertain significance for Cardiomyopathy, familial restrictive, 3; Hypertrophic cardiomyopathy 2; Dilated cardiomyopathy 1D. Last evaluated: 2022-12-20. Review status: criteria provided, single submitter. Criteria: Invitae Variant Classification Sherloc (09022015). Collection method: clinical testing. Allele origin: germline.
Comment: In summary, the available evidence is currently insufficient to determine the role of this variant in disease. Therefore, it has been classified as a Variant of Uncertain Significance. Advanced modeling of protein sequence and biophysical properties (such as structural, functional, and spatial information, amino acid conservation, physicochemical variation, residue mobility, and thermodynamic stability) performed at Invitae indicates that this missense variant is expected to disrupt TNNT2 protein function. This variant has not been reported in the literature in individuals affected with TNNT2-related conditions. This variant is not present in population databases (gnomAD no frequency). This sequence change replaces arginine, which is basic and polar, with threonine, which is neutral and polar, at codon 201 of the TNNT2 protein (p.Arg201Thr).

NM_001276345.2(TNNT2):c.632G>C (p.Arg211Thr)

Gene: TNNT2 (troponin T2, cardiac type; minus strand). Cytogenetic location: 1q32.1.
Variant type: single nucleotide variant.
Coding change: c.632G>C on transcript NM_001276345.2 (MANE Select); coding-DNA position 632, G replaced by C.
Protein change: p.Arg211Thr; replaces arginine 211 with threonine.
Molecular consequence: missense variant.
Genome position (GRCh38, 1-based): chr1:201,362,000, C>G on the plus strand (G>C on the coding strand, the complement: TNNT2 is on the minus strand). VCF-style: chr1-201362000-C-G. GRCh37 (hg19) VCF-style: chr1-201331128-C-G.
Other names: c.623G>C, p.Arg208Thr (NM_000364.4, NM_001406723.1); c.602G>C, p.Arg201Thr (NM_001001430.3, NM_001276347.2, NM_001406724.1); c.593G>C, p.Arg198Thr (NM_001001431.3, NM_001406726.1, NM_001406727.1); c.584G>C, p.Arg195Thr (NM_001001432.3); c.503G>C, p.Arg168Thr (NM_001276346.2); c.599G>C, p.Arg200Thr (NM_001406725.1); c.587G>C, p.Arg196Thr (NM_001406728.1); short protein forms R200T, R195T, R198T, R201T, R211T, R168T, R196T, R208T.
Identifiers: ClinVar variation 2942492 (VCV002942492.3), dbSNP rs2526942695, ClinGen allele CA344203920.